The following is an entry in ClinVar:

ClinVar aggregate classification (germline): Uncertain significance. Review status: criteria provided, multiple submitters, no conflicts (2 of 4 stars). 2 submissions from 2 submitters: Uncertain significance (2). Last evaluated 2024-12-02.

Conditions:
Candidiasis, familial, 9 (CANDF9). Identifiers: Orphanet 1334, MedGen C4225324, MONDO:0014642, OMIM 616445.

Allele frequency attached by ClinVar (database versions not stated): TOPMed below 0.00001; gnomAD 0.00001.
gnomAD v4.1: 16 of 1,570,726 alleles (0.001%); highest among the groups gnomAD compares: East Asian, 0.029%; no homozygotes.

Submissions (2):

Labcorp Genetics (formerly Invitae), Labcorp
Classification: Uncertain significance for Candidiasis, familial, 9. Last evaluated: 2024-12-02. Review status: criteria provided, single submitter. Criteria: Invitae Variant Classification Sherloc (09022015). Collection method: clinical testing. Allele origin: germline.
Comment: This sequence change replaces glycine, which is neutral and non-polar, with arginine, which is basic and polar, at codon 578 of the IL17RC protein (p.Gly578Arg). This variant is present in population databases (rs763525201, gnomAD 0.03%). This variant has not been reported in the literature in individuals affected with IL17RC-related conditions. ClinVar contains an entry for this variant (Variation ID: 1429834). An algorithm developed to predict the effect of missense changes on protein structure and function (PolyPhen-2) suggests that this variant is likely to be disruptive. In summary, the available evidence is currently insufficient to determine the role of this variant in disease. Therefore, it has been classified as a Variant of Uncertain Significance.

Ambry Genetics
Classification: Uncertain significance. Last evaluated: 2022-12-21. Review status: criteria provided, single submitter. Criteria: Ambry Variant Classification Scheme 2023. Collection method: clinical testing. Allele origin: germline.

NM_153460.4(IL17RC):c.1519G>A (p.Gly507Arg)

Genes: IL17RC (interleukin 17 receptor C; plus strand), LOC129936143 (ATAC-STARR-seq lymphoblastoid silent region 14050; plus strand). Cytogenetic location: 3p25.3.
Variant type: single nucleotide variant.
Coding change: c.1519G>A on transcript NM_153460.4 (MANE Select); coding-DNA position 1519, G replaced by A.
Protein change: p.Gly507Arg; replaces glycine 507 with arginine.
Molecular consequence: missense variant. On other transcripts: non-coding transcript variant (1), intron variant (5).
Genome position (GRCh38, 1-based): chr3:9,932,855, G>A. VCF-style: chr3-9932855-G-A. GRCh37 (hg19) VCF-style: chr3-9974539-G-A.
Other names: c.1732G>A (NM_153461.3); c.1423G>A, p.Gly475Arg (NM_001203265.2); c.1474G>A, p.Gly492Arg (NM_032732.6); c.1732G>A, p.Gly578Arg (NM_153461.4); c.1484-98G>A (NM_001203263.2); c.1433-98G>A (NM_001203264.2); c.1445-98G>A (NM_001367278.1); c.1439-98G>A (NM_001367280.1); and 1 more; short protein forms G507R, G492R, G475R, G578R.
Identifiers: ClinVar variation 1429834 (VCV001429834.11), dbSNP rs763525201, ClinGen allele CA2247331.